The following is an entry in ClinVar:

NM_024652.6(LRRK1):c.5771G>A (p.Arg1924His)

Genes: LRRK1 (leucine rich repeat kinase 1; plus strand), LRRK1-AS1 (LRRK1 antisense RNA 1; minus strand). Cytogenetic location: 15q26.3.
Variant type: single nucleotide variant.
Coding change: c.5771G>A on transcript NM_024652.6 (MANE Select); coding-DNA position 5771, G replaced by A.
Protein change: p.Arg1924His; replaces arginine 1924 with histidine.
Molecular consequence: missense variant.
Genome position (GRCh38, 1-based): chr15:101,066,642, G>A. VCF-style: chr15-101066642-G-A. GRCh37 (hg19) VCF-style: chr15-101606847-G-A.
Other names: short protein forms R1924H.
Identifiers: ClinVar variation 2164679 (VCV002164679.1), dbSNP rs1472884841, ClinGen allele CA393963571.
Genomic context (GRCh38, chr15:101,066,642, plus strand): 5'-TCCCCGGAGAGCACGGCTACCGACAAATCGCTTCCCCTTCTGGGTTTTGGTTGCTTAGGC[G>A]CGGTGGAGATGTTATCGTCATTGGCCTGGAGAAGGATTCTGGCGCCCAGCGGGGCCGAGT-3'
Protein context (NP_078928.3, residues 1914-1934): AVRDLIWVPR[Arg1924His]GGDVIVIGLE

ClinVar aggregate classification (germline): Uncertain significance (1 of 4 stars; one submission).

gnomAD v4.1: 12 of 1,614,106 alleles (0.00074%); highest among the groups gnomAD compares: African/African-American, 0.0013%; no homozygotes.

Submission:

Labcorp Genetics (formerly Invitae), Labcorp
Classification: Uncertain significance. Last evaluated: 2022-08-31. Review status: criteria provided, single submitter. Criteria: Invitae Variant Classification Sherloc (09022015). Collection method: clinical testing. Allele origin: germline.
Comment: This sequence change replaces arginine, which is basic and polar, with histidine, which is basic and polar, at codon 1924 of the LRRK1 protein (p.Arg1924His). This variant is present in population databases (no rsID available, gnomAD 0.002%). This variant has not been reported in the literature in individuals affected with LRRK1-related conditions. Algorithms developed to predict the effect of missense changes on protein structure and function output the following: SIFT: "Tolerated"; PolyPhen-2: "Benign"; Align-GVGD: "Class C0". The histidine amino acid residue is found in multiple mammalian species, which suggests that this missense change does not adversely affect protein function. In summary, the available evidence is currently insufficient to determine the role of this variant in disease. Therefore, it has been classified as a Variant of Uncertain Significance.